The following is an entry in ClinVar:

ClinVar aggregate classification (germline): Uncertain significance (1 of 4 stars; one submission).

Conditions:
Developmental and epileptic encephalopathy. Identifiers: MedGen C5779964, MONDO:0100620.

Allele frequency attached by ClinVar (database versions not stated): gnomAD 0.00001; gnomAD exomes 0.00001 and 0.00002; TOPMed 0.00002; ExAC 0.00004; ESP Exome Variant Server 0.00008.
gnomAD v4.1: 18 of 1,602,052 alleles (0.0011%); highest among the groups gnomAD compares: Admixed American, 0.0034%; no homozygotes.

Submission:

Labcorp Genetics (formerly Invitae), Labcorp
Classification: Uncertain significance for Early-infantile DEE. Last evaluated: 2022-08-01. Review status: criteria provided, single submitter. Criteria: Invitae Variant Classification Sherloc (09022015). Collection method: clinical testing. Allele origin: germline.
Comment: This sequence change replaces valine, which is neutral and non-polar, with methionine, which is neutral and non-polar, at codon 84 of the CACNA2D2 protein (p.Val84Met). The frequency data for this variant in the population databases is considered unreliable, as metrics indicate poor data quality at this position in the gnomAD database. This variant has not been reported in the literature in individuals affected with CACNA2D2-related conditions. ClinVar contains an entry for this variant (Variation ID: 575730). Algorithms developed to predict the effect of missense changes on protein structure and function are either unavailable or do not agree on the potential impact of this missense change (SIFT: "Deleterious"; PolyPhen-2: "Probably Damaging"; Align-GVGD: "Class C0"). In summary, the available evidence is currently insufficient to determine the role of this variant in disease. Therefore, it has been classified as a Variant of Uncertain Significance.

NM_006030.4(CACNA2D2):c.250G>A (p.Val84Met)

Gene: CACNA2D2 (calcium voltage-gated channel auxiliary subunit alpha2delta 2; minus strand). Cytogenetic location: 3p21.31.
Variant type: single nucleotide variant.
Coding change: c.250G>A on transcript NM_006030.4 (MANE Select); coding-DNA position 250, G replaced by A.
Protein change: p.Val84Met; replaces valine 84 with methionine.
Molecular consequence: missense variant.
Genome position (GRCh38, 1-based): chr3:50,476,156, C>T on the plus strand (G>A on the coding strand, the complement: CACNA2D2 is on the minus strand). VCF-style: chr3-50476156-C-T. GRCh37 (hg19) VCF-style: chr3-50513587-C-T.
Other names: c.250G>A, p.Val84Met (NM_001005505.3, NM_001174051.3); c.43G>A, p.Val15Met (NM_001291101.1); short protein forms V84M, V15M.
Identifiers: ClinVar variation 575730 (VCV000575730.6), dbSNP rs367932722, ClinGen allele CA2419284.
Genomic context (GRCh38, chr3:50,476,156, plus strand): 5'-CAGCAAGTGGCACCGGGCTCACCTCACGGAGCTGCTGGACGCCTCCAAAAATCCGCATCA[C>T]GCCGTCGACCTCCTGCTCCAGACGCCGGGCCCAGTGCTGCATCCTGTATGCAGAGAGAGG-3'
Protein context (NP_006021.2, residues 74-94): ARRLEQEVDG[Val84Met]MRIFGGVQQL